The following is an entry in ClinVar:

NM_001367624.2(ZNF469):c.10693G>A (p.Gly3565Ser)

Gene: ZNF469 (zinc finger protein 469; plus strand). Cytogenetic location: 16q24.2.
Variant type: single nucleotide variant.
Coding change: c.10693G>A on transcript NM_001367624.2 (MANE Select); coding-DNA position 10693, G replaced by A.
Protein change: p.Gly3565Ser; replaces glycine 3565 with serine.
Molecular consequence: missense variant.
Genome position (GRCh38, 1-based): chr16:88,438,163, G>A. VCF-style: chr16-88438163-G-A. GRCh37 (hg19) VCF-style: chr16-88504571-G-A.
Other names: NM_001127464.1:c.10609G>A; short protein forms G3565S.
Identifiers: ClinVar variation 2626118 (VCV002626118.3), dbSNP rs1906736003, ClinGen allele CA397127506.
Genomic context (GRCh38, chr16:88,438,163, plus strand): 5'-TCCAACCACCAGGAGTGTCCCCCGCCGTCTCTGTCTCCCTTCCCAGCTGCCTTGGCTGAT[G>A]GCAGAGGAGACTGCGCGCTGGACGGAGCCCTGGAGAGGCCAGAGAACGAGGCTTCCCCAG-3'
Protein context (NP_001354553.1, residues 3555-3575): LSPFPAALAD[Gly3565Ser]RGDCALDGAL

ClinVar aggregate classification (germline): Uncertain significance. Review status: criteria provided, multiple submitters, no conflicts (2 of 4 stars). 2 submissions from 2 submitters: Uncertain significance (2). Last evaluated 2026-05-06.

Conditions:
Cardiovascular phenotype. Identifiers: MedGen CN230736.

Allele frequency attached by ClinVar (database versions not stated): TOPMed below 0.00001.
gnomAD v4.1: 6 of 1,549,966 alleles (0.00039%); highest among the groups gnomAD compares: Non-Finnish European, 0.00044%; no homozygotes.

Submissions (2):

Women's Health and Genetics/Laboratory Corporation of America, LabCorp
Classification: Uncertain significance. Last evaluated: 2026-05-06. Review status: criteria provided, single submitter. Criteria: LabCorp Variant Classification Summary - May 2015. Collection method: clinical testing. Allele origin: germline.
Comment: Variant summary: ZNF469 c.10693G>A (p.Gly3565Ser) results in a non-conservative amino acid change in the encoded protein sequence. Algorithms developed to predict the effect of missense changes on protein structure and function are either unavailable or do not agree on the potential impact of this missense change. The variant was absent in 153388 control chromosomes. The available data on variant occurrences in the general population are insufficient to allow any conclusion about variant significance. To our knowledge, no occurrence of c.10693G>A in individuals affected with ZNF469-related conditions and no experimental evidence demonstrating its impact on protein function have been reported. ClinVar contains an entry for this variant (Variation ID: 2626118). Based on the evidence outlined above, the variant was classified as uncertain significance.

Ambry Genetics
Classification: Uncertain significance for Cardiovascular phenotype. Last evaluated: 2023-07-05. Review status: criteria provided, single submitter. Criteria: Ambry Variant Classification Scheme 2023. Collection method: clinical testing. Allele origin: germline.
Comment: The p.G3537S variant (also known as c.10609G>A), located in coding exon 2 of the ZNF469 gene, results from a G to A substitution at nucleotide position 10609. The glycine at codon 3537 is replaced by serine, an amino acid with similar properties. This amino acid position is conserved. In addition, this alteration is predicted to be tolerated by in silico analysis. Since supporting evidence is limited at this time, the clinical significance of this alteration remains unclear.